The following is an entry in ClinVar:

NM_000321.3(RB1):c.-197G>T

Gene: RB1 (RB transcriptional corepressor 1; plus strand). Cytogenetic location: 13q14.2.
Variant type: single nucleotide variant.
Coding change: c.-197G>T on transcript NM_000321.3 (MANE Select); 197 bases upstream of the start codon, G replaced by T.
Genome position (GRCh38, 1-based): chr13:48,303,716, G>T. VCF-style: chr13-48303716-G-T. GRCh37 (hg19) VCF-style: chr13-48877852-G-T.
Identifiers: ClinVar variation 3237097 (VCV003237097.1), dbSNP rs2542091863.

ClinVar aggregate classification (germline): Likely pathogenic (1 of 4 stars; one submission).

Conditions:
Retinoblastoma (RB1). Also called: RETINOBLASTOMA, SOMATIC. Identifiers: Orphanet 790, MedGen C0035335, MeSH D012175, MONDO:0008380, OMIM 180200, HP:0009919. Disease mechanism: loss of function. Inheritance: Both sporadic and heritable forms are tested..

Submission:

Genetic Diagnostic Laboratory, University of Pennsylvania School of Medicine
Classification: Likely pathogenic for Retinoblastoma. Last evaluated: 2024-05-20. Review status: criteria provided, single submitter. Criteria: ACMG Guidelines, 2015. Collection method: clinical testing. Allele origin: germline. Affected: yes. Observed: 1 variant allele.
Comment: Case and Pedigree Information: BILATERAL CASES:1, UNILATERAL CASES:0, TOTAL CASES:1, PEDIGREES:1. ACMG Codes Applied:PM1, PM2